The following is an entry in ClinVar:

NM_022168.4(IFIH1):c.364C>T (p.Gln122Ter)

Gene: IFIH1 (interferon induced with helicase C domain 1; minus strand). Cytogenetic location: 2q24.2.
Variant type: single nucleotide variant.
Coding change: c.364C>T on transcript NM_022168.4 (MANE Select); coding-DNA position 364, C replaced by T.
Protein change: p.Gln122Ter; replaces glutamine 122 with a stop codon.
Molecular consequence: nonsense.
Genome position (GRCh38, 1-based): chr2:162,317,944, G>A on the plus strand (C>T on the coding strand, the complement: IFIH1 is on the minus strand). VCF-style: chr2-162317944-G-A. GRCh37 (hg19) VCF-style: chr2-163174454-G-A.
Other names: short protein forms Q122*.
Identifiers: ClinVar variation 2098665 (VCV002098665.4), dbSNP rs1683538307, ClinGen allele CA349013527.

ClinVar aggregate classification (germline): Uncertain significance (1 of 4 stars; one submission).

Conditions:
Singleton-Merten syndrome 1 (SGMRT1). Also called: Widened medullary cavities of bone, aortic calcification, abnormal dentition, and muscular weakness; Syndrome of widened medullary cavities of the metacarpals and phalanges, aortic calcification and abnormal dentition. Identifiers: Orphanet 85191, MedGen C4225427, MONDO:0024535, OMIM 182250.
Aicardi-Goutieres syndrome 7 (AGS7). Identifiers: Orphanet 51, MedGen C3888244, MONDO:0014367, OMIM 615846.

Allele frequency attached by ClinVar (database versions not stated): TOPMed below 0.00001.

Submission:

Labcorp Genetics (formerly Invitae), Labcorp
Classification: Uncertain significance for Aicardi-Goutieres syndrome 7; Singleton-Merten syndrome 1. Last evaluated: 2022-02-18. Review status: criteria provided, single submitter. Criteria: Invitae Variant Classification Sherloc (09022015). Collection method: clinical testing. Allele origin: germline.
Comment: This variant is not present in population databases (gnomAD no frequency). This sequence change creates a premature translational stop signal (p.Gln122*) in the IFIH1 gene. It is expected to result in an absent or disrupted protein product. However, the current clinical and genetic evidence is not sufficient to establish whether loss-of-function variants in IFIH1 cause disease. This variant has not been reported in the literature in individuals affected with IFIH1-related conditions. In summary, the available evidence is currently insufficient to determine the role of this variant in disease. Therefore, it has been classified as a Variant of Uncertain Significance.